The following is an entry in ClinVar:

NM_000350.3(ABCA4):c.4754G>A (p.Arg1585Gln)

Genes: ABCA4 (ATP binding cassette subfamily A member 4; minus strand), LOC126805793 (CDK7 strongly-dependent group 2 enhancer GRCh37_chr1:94486302-94487501; plus strand). Cytogenetic location: 1p22.1.
Variant type: single nucleotide variant.
Coding change: c.4754G>A on transcript NM_000350.3 (MANE Select); coding-DNA position 4754, G replaced by A.
Protein change: p.Arg1585Gln; replaces arginine 1585 with glutamine.
Molecular consequence: missense variant.
Genome position (GRCh38, 1-based): chr1:94,021,865, C>T on the plus strand (G>A on the coding strand, the complement: ABCA4 is on the minus strand). VCF-style: chr1-94021865-C-T. GRCh37 (hg19) VCF-style: chr1-94487421-C-T.
Other names: c.4532G>A, p.Arg1511Gln (NM_001425324.1); short protein forms R1585Q, R1511Q.
Identifiers: ClinVar variation 196811 (VCV000196811.11), dbSNP rs754298400, ClinGen allele CA244215.

ClinVar aggregate classification (germline): Uncertain significance. Review status: criteria provided, multiple submitters, no conflicts (2 of 4 stars). 3 submissions from 3 submitters: Uncertain significance (3). Last evaluated 2024-12-16.

Allele frequency attached by ClinVar (database versions not stated): gnomAD 0.00001; gnomAD exomes 0.00001 and 0.00002; TOPMed 0.00001; ExAC 0.00002.
gnomAD v4.1: 26 of 1,614,018 alleles (0.0016%); highest among the groups gnomAD compares: African/African-American, 0.004%; no homozygotes.

Submissions (3):

Labcorp Genetics (formerly Invitae), Labcorp
Classification: Uncertain significance. Last evaluated: 2024-12-16. Review status: criteria provided, single submitter. Criteria: Invitae Variant Classification Sherloc (09022015). Collection method: clinical testing. Allele origin: germline.
Comment: This sequence change replaces arginine, which is basic and polar, with glutamine, which is neutral and polar, at codon 1585 of the ABCA4 protein (p.Arg1585Gln). This variant is present in population databases (rs754298400, gnomAD 0.002%). This variant has not been reported in the literature in individuals affected with ABCA4-related conditions. ClinVar contains an entry for this variant (Variation ID: 196811). Invitae Evidence Modeling of protein sequence and biophysical properties (such as structural, functional, and spatial information, amino acid conservation, physicochemical variation, residue mobility, and thermodynamic stability) indicates that this missense variant is not expected to disrupt ABCA4 protein function with a negative predictive value of 95%. In summary, the available evidence is currently insufficient to determine the role of this variant in disease. Therefore, it has been classified as a Variant of Uncertain Significance.

Blueprint Genetics
Classification: Uncertain significance. Last evaluated: 2023-09-07. Review status: criteria provided, single submitter. Criteria: ACMG Guidelines, 2015. Collection method: clinical testing. Allele origin: germline.

Eurofins Ntd Llc (ga)
Classification: Uncertain significance. Last evaluated: 2015-03-02. Review status: criteria provided, single submitter. Criteria: EGL Classification Definitions 2015. Collection method: clinical testing. Allele origin: germline. Observed: 1 variant allele, 1 heterozygote.